The following is an entry in ClinVar:

ClinVar aggregate classification (germline): Likely benign (1 of 4 stars; one submission).

Allele frequency attached by ClinVar (database versions not stated): gnomAD exomes 0.00006 and 0.00013; gnomAD 0.00008 and 0.00009; TOPMed 0.00011; ESP Exome Variant Server 0.00024; ExAC 0.00026.
gnomAD v4.1: 93 of 1,486,336 alleles (0.0063%); highest among the groups gnomAD compares: Admixed American, 0.031%; no homozygotes.

Submission:

GeneDx
Classification: Likely benign. Last evaluated: 2018-03-28. Review status: criteria provided, single submitter. Criteria: GeneDx Variant Classification (06012015). Collection method: clinical testing. Allele origin: germline. Affected: yes.
Comment: This variant is considered likely benign or benign based on one or more of the following criteria: it is a conservative change, it occurs at a poorly conserved position in the protein, it is predicted to be benign by multiple in silico algorithms, and/or has population frequency not consistent with disease.

NM_032806.6(POMGNT2):c.-33G>A

Gene: POMGNT2 (protein O-linked mannose N-acetylglucosaminyltransferase 2 (beta 1,4-); minus strand). Cytogenetic location: 3p22.1.
Variant type: single nucleotide variant.
Coding change: c.-33G>A on transcript NM_032806.6 (MANE Select); 33 bases upstream of the start codon, G replaced by A.
Molecular consequence: 5 prime UTR variant.
Genome position (GRCh38, 1-based): chr3:43,081,464, C>T on the plus strand (G>A on the coding strand, the complement: POMGNT2 is on the minus strand). VCF-style: chr3-43081464-C-T. GRCh37 (hg19) VCF-style: chr3-43122956-C-T.
Identifiers: ClinVar variation 681101 (VCV000681101.1), dbSNP rs372283907, ClinGen allele CA2340189.